The following is an entry in ClinVar:

NM_006947.4(SRP72):c.1970A>G (p.Lys657Arg)

Gene: SRP72 (signal recognition particle 72; plus strand). Cytogenetic location: 4q12.
Variant type: single nucleotide variant.
Coding change: c.1970A>G on transcript NM_006947.4 (MANE Select); coding-DNA position 1970, A replaced by G.
Protein change: p.Lys657Arg; replaces lysine 657 with arginine.
Molecular consequence: missense variant. On other transcripts: non-coding transcript variant (1).
Genome position (GRCh38, 1-based): chr4:56,501,815, A>G. VCF-style: chr4-56501815-A-G. GRCh37 (hg19) VCF-style: chr4-57367981-A-G.
Other names: c.1787A>G, p.Lys596Arg (NM_001267722.2); short protein forms K596R, K657R.
Identifiers: ClinVar variation 4718242 (VCV004718242.1).
Genomic context (GRCh38, chr4:56,501,815, plus strand): 5'-CTACAAGTAACATCATACCCCCAAGACACCAGAAACCTGCAGGGGCTCCAGCAACAAAAA[A>G]GAAACAGCAACAGAAAAAGAAGAAAGGTGGAAAAGGTGGCTGGTGATGAGAATATTCTTG-3'
Protein context (NP_008878.3, residues 647-667): QKPAGAPATK[Lys657Arg]KQQQKKKKGG

ClinVar aggregate classification (germline): Uncertain significance (1 of 4 stars; one submission).

Submission:

Labcorp Genetics (formerly Invitae), Labcorp
Classification: Uncertain significance. Last evaluated: 2025-04-23. Review status: criteria provided, single submitter. Criteria: Invitae Variant Classification Sherloc (09022015). Collection method: clinical testing. Allele origin: germline.
Comment: This sequence change replaces lysine, which is basic and polar, with arginine, which is basic and polar, at codon 657 of the SRP72 protein (p.Lys657Arg). This variant is not present in population databases (gnomAD no frequency). This variant has not been reported in the literature in individuals affected with SRP72-related conditions. Experimental studies and prediction algorithms are not available or were not evaluated, and the functional significance of this variant is currently unknown. In summary, the available evidence is currently insufficient to determine the role of this variant in disease. Therefore, it has been classified as a Variant of Uncertain Significance.